The following is an entry in ClinVar:

ClinVar aggregate classification (germline): Likely pathogenic (1 of 4 stars; one submission).

Allele frequency attached by ClinVar (database versions not stated): gnomAD 0.00001.

Submission:

Labcorp Genetics (formerly Invitae), Labcorp
Classification: Likely pathogenic. Last evaluated: 2024-02-23. Review status: criteria provided, single submitter. Criteria: Invitae Variant Classification Sherloc (09022015). Collection method: clinical testing. Allele origin: germline.
Comment: This sequence change affects a donor splice site in intron 7 of the CYP4V2 gene. It is expected to disrupt RNA splicing. Variants that disrupt the donor or acceptor splice site typically lead to a loss of protein function (PMID: 16199547), and loss-of-function variants in CYP4V2 are known to be pathogenic (PMID: 15042513, 25118264). This variant is not present in population databases (gnomAD no frequency). This variant has not been reported in the literature in individuals affected with CYP4V2-related conditions. ClinVar contains an entry for this variant (Variation ID: 1068199). Algorithms developed to predict the effect of sequence changes on RNA splicing suggest that this variant may disrupt the consensus splice site. In summary, the currently available evidence indicates that the variant is pathogenic, but additional data are needed to prove that conclusively. Therefore, this variant has been classified as Likely Pathogenic.

Literature cited by the submitters: PubMed 16199547; PubMed 15042513; PubMed 25118264.

NM_207352.4(CYP4V2):c.987+1G>A

Gene: CYP4V2 (cytochrome P450 family 4 subfamily V member 2; plus strand). Cytogenetic location: 4q35.2.
Variant type: single nucleotide variant.
Coding change: c.987+1G>A on transcript NM_207352.4 (MANE Select); the canonical splice donor site of the intron after coding-DNA position 987, G replaced by A.
Molecular consequence: splice donor variant.
Genome position (GRCh38, 1-based): chr4:186,201,343, G>A. VCF-style: chr4-186201343-G-A. GRCh37 (hg19) VCF-style: chr4-187122497-G-A.
Identifiers: ClinVar variation 1068199 (VCV001068199.9), dbSNP rs1736302165, ClinGen allele CA358948691.
Genomic context (GRCh38, chr4:186,201,343, plus strand): 5'-GAAGGGAACAGGCTAAGTCATGAAGATATTCGAGAAGAAGTTGACACCTTCATGTTTGAG[G>A]TATTGTATATTGTTAGGTTCAGATATCATTAAACAAATTTCAGTTATTGTTAGAATCTTT-3'